The following is an entry in ClinVar:

ClinVar aggregate classification (germline): Benign/Likely benign. Review status: criteria provided, multiple submitters, no conflicts (2 of 4 stars). 3 submissions from 3 submitters: Benign (2); Likely benign (1). Last evaluated 2026-04-01.

Allele frequency attached by ClinVar (database versions not stated): TOPMed 0.00052; 1000 Genomes Project 0.00060; 1000 Genomes Project 30x 0.00062; ESP Exome Variant Server 0.00100; gnomAD 0.00434.
gnomAD v4.1: 2,485 of 1,613,724 alleles (0.15%); highest among the groups gnomAD compares: Non-Finnish European, 0.069%; 28 homozygotes.

Submissions (3):

CeGaT Center for Human Genetics Tuebingen
Classification: Likely benign. Last evaluated: 2026-04-01. Review status: criteria provided, single submitter. Criteria: CeGaT Center For Human Genetics Tuebingen Variant Classification Criteria Version 2. Collection method: clinical testing. Allele origin: germline. Affected: yes. Observed: 3 variant alleles.
Comment: PRKCG: BP4, BS1

Mayo Clinic Laboratories, Mayo Clinic
Classification: Benign. Last evaluated: 2024-08-28. Review status: criteria provided, single submitter. Criteria: ACMG Guidelines, 2015. Collection method: clinical testing. Allele origin: germline. Observed: 3 variant alleles.
Comment: BA1, BS2, BP4, BP7

Labcorp Genetics (formerly Invitae), Labcorp
Classification: Benign. Last evaluated: 2019-12-31. Review status: criteria provided, single submitter. Criteria: Invitae Variant Classification Sherloc (09022015). Collection method: clinical testing. Allele origin: germline.

NM_002739.5(PRKCG):c.530-7C>T

Gene: PRKCG (protein kinase C gamma; plus strand). Cytogenetic location: 19q13.42.
Variant type: single nucleotide variant.
Coding change: c.530-7C>T on transcript NM_002739.5 (MANE Select); 7 bases into the intron before coding-DNA position 530, C replaced by T.
Molecular consequence: intron variant.
Genome position (GRCh38, 1-based): chr19:53,891,667, C>T. VCF-style: chr19-53891667-C-T. GRCh37 (hg19) VCF-style: chr19-54394921-C-T.
Other names: p.?; c.530-7C>T (NM_001316329.2).
Identifiers: ClinVar variation 734692 (VCV000734692.34), dbSNP rs200356049, ClinGen allele CA9640331.